The following is an entry in ClinVar:

ClinVar aggregate classification (germline): Pathogenic/Likely pathogenic. Review status: criteria provided, multiple submitters, no conflicts (2 of 4 stars). 3 submissions from 3 submitters: Pathogenic (2); Likely pathogenic (1). Last evaluated 2024-05-02.

Conditions:
Congenital myasthenic syndrome 4A. Also called: Myasthenic syndrome, congenital, 4a, slow-channel; MYASTHENIC SYNDROME, CONGENITAL, 4A, SLOW-CHANNEL, AUTOSOMAL RECESSIVE; CONGENITAL MYASTHENIC SYNDROME TYPE Ia1. Identifiers: Orphanet 590, MedGen C4225413, MONDO:0011600, OMIM 605809.
Congenital myasthenic syndrome 4C (CMS4C). Also called: Myasthenic syndrome, congenital, associated with acetylcholine receptor deficiency. Identifiers: Orphanet 590, MedGen C1837091, MONDO:0012157, OMIM 608931.
Congenital myasthenic syndrome 4B. Also called: Myasthenic syndrome, congenital, 4b, fast-channel. Identifiers: Orphanet 590, MedGen C4225369, MONDO:0014586, OMIM 616324.
Congenital myasthenic syndrome (CMS). Also called: Congenital Myasthenic Syndromes. Identifiers: Orphanet 590, MedGen C0751882, MeSH D020294, MONDO:0018940.

Allele frequency attached by ClinVar (database versions not stated): gnomAD exomes 0.00001 and below 0.00001.
gnomAD v4.1: 9 of 1,614,216 alleles (0.00056%); highest among the groups gnomAD compares: Non-Finnish European, 0.00059%; no homozygotes.

Submissions (3):

Myriad Genetics, Inc.
Classification: Pathogenic for Congenital myasthenic syndrome. Last evaluated: 2024-05-02. Review status: criteria provided, single submitter. Criteria: Myriad Autosomal Dominant, Autosomal Recessive and X-Linked Classification Criteria (2023). Collection method: clinical testing. Allele origin: unknown.
Comment: NM_000080.3(CHRNE):c.847C>T(Q283*) is expected to be pathogenic in the context of congenital myasthenic syndrome, CHRNE-related. This variant is predicted to lead to an abnormal or absent protein product due to the creation of a premature termination codon in CHRNE, a gene where loss-of-function variants are known to be pathogenic. Please note: this variant was assessed in the context of healthy population screening.

Labcorp Genetics (formerly Invitae), Labcorp
Classification: Pathogenic for Congenital myasthenic syndrome 4A. Last evaluated: 2022-11-08. Review status: criteria provided, single submitter. Criteria: Invitae Variant Classification Sherloc (09022015). Collection method: clinical testing. Allele origin: germline.
Comment: For these reasons, this variant has been classified as Pathogenic. ClinVar contains an entry for this variant (Variation ID: 1417628). This sequence change creates a premature translational stop signal (p.Gln283*) in the CHRNE gene. It is expected to result in an absent or disrupted protein product. Loss-of-function variants in CHRNE are known to be pathogenic (PMID: 22678886). This variant is present in population databases (rs773929089, gnomAD 0.0009%). This premature translational stop signal has been observed in individual(s) with clinical features of congenital myasthenic syndrome (PMID: 22678886). This variant is also known as c.787C>T (p.Gln263X).

Fulgent Genetics
Classification: Likely pathogenic for Congenital myasthenic syndrome 4A; Congenital myasthenic syndrome 4C; Congenital myasthenic syndrome 4B. Last evaluated: 2022-02-18. Review status: criteria provided, single submitter. Criteria: ACMG Guidelines, 2015. Collection method: clinical testing. Allele origin: unknown.

Literature cited by the submitters: PubMed 22678886 (cited by Labcorp Genetics (formerly Invitae), Labcorp).

NM_000080.4(CHRNE):c.847C>T (p.Gln283Ter)

Genes: C17orf107 (chromosome 17 open reading frame 107; plus strand), CHRNE (cholinergic receptor nicotinic epsilon subunit; minus strand). Cytogenetic location: 17p13.2.
Variant type: single nucleotide variant.
Coding change: c.847C>T on transcript NM_000080.4 (MANE Select); coding-DNA position 847, C replaced by T.
Protein change: p.Gln283Ter; replaces glutamine 283 with a stop codon.
Molecular consequence: nonsense. On other transcripts: 3 prime UTR variant (1).
Genome position (GRCh38, 1-based): chr17:4,900,863, G>A on the plus strand (C>T on the coding strand, the complement: CHRNE is on the minus strand). VCF-style: chr17-4900863-G-A. GRCh37 (hg19) VCF-style: chr17-4804158-G-A.
Other names: c.*330G>A (NM_001145536.2); short protein forms Q283*.
Identifiers: ClinVar variation 1417628 (VCV001417628.9), dbSNP rs773929089, ClinGen allele CA287182677.